The following is an entry in ClinVar:

ClinVar aggregate classification (germline): no classifications from unflagged records (0 of 4 stars; one submission).

Conditions:
Neurodevelopmental disorder. Identifiers: MedGen C1535926, MeSH D065886, MONDO:0700092.

Submission:

Rare Disease Group, Clinical Genetics, Karolinska Institutet
Classification: Uncertain significance for Neurodevelopmental disorder. Last evaluated: 2019-04-09. Review status: flagged submission. Criteria: ACMG Guidelines, 2015. Collection method: clinical testing. Allele origin: germline. Affected: yes.
ClinVar note: Notes: This submission was flagged because its interpretation of this variant conflicts with the ClinGen Gene Dosage Map curation for the gene POU4F3.
ClinVar note: Reason: Conflict with ClinGen Gene Dosage Map

Single allele

Genes: GPR151 (G protein-coupled receptor 151; minus strand), GRXCR2 (glutaredoxin and cysteine rich domain containing 2; minus strand), LARS1 (leucyl-tRNA synthetase 1; minus strand), PLAC8L1 (PLAC8 like 1; minus strand), POU4F3 (POU class 4 homeobox 3; plus strand) and 5 more. Cytogenetic location: 5q31.3-32.
Variant type: Deletion.
Identifiers: ClinVar variation 635929 (VCV000635929.2).